The following is an entry in ClinVar:

NM_001323289.2(CDKL5):c.1837A>G (p.Met613Val)

Gene: CDKL5 (cyclin dependent kinase like 5; plus strand). Cytogenetic location: Xp22.13.
Variant type: single nucleotide variant.
Coding change: c.1837A>G on transcript NM_001323289.2 (MANE Select); coding-DNA position 1837, A replaced by G.
Protein change: p.Met613Val; replaces methionine 613 with valine.
Molecular consequence: missense variant.
Genome position (GRCh38, 1-based): chrX:18,604,761, A>G. VCF-style: chrX-18604761-A-G. GRCh37 (hg19) VCF-style: chrX-18622881-A-G.
Other names: c.1837A>G, p.Met613Val (NM_001037343.2, NM_003159.3); short protein forms M613V.
Identifiers: ClinVar variation 2940079 (VCV002940079.3), dbSNP rs2518875558, ClinGen allele CA412363108.

ClinVar aggregate classification (germline): Uncertain significance (1 of 4 stars; one submission).

Conditions:
Developmental and epileptic encephalopathy, 2 (DEE2). Also called: INFANTILE SPASM SYNDROME, X-LINKED 2; CDKL5 deficiency disorder. Identifiers: Orphanet 1934, Orphanet 3451, Orphanet 505652, MedGen C4750718, MONDO:0010396, OMIM 300672.
Angelman syndrome-like. Identifiers: MedGen CN128785.

Submission:

Labcorp Genetics (formerly Invitae), Labcorp
Classification: Uncertain significance for Developmental and epileptic encephalopathy, 2; Angelman syndrome-like. Last evaluated: 2025-09-06. Review status: criteria provided, single submitter. Criteria: Invitae Variant Classification Sherloc (09022015). Collection method: clinical testing. Allele origin: germline.
Comment: This sequence change replaces methionine, which is neutral and non-polar, with valine, which is neutral and non-polar, at codon 613 of the CDKL5 protein (p.Met613Val). This variant is not present in population databases (gnomAD no frequency). This variant has not been reported in the literature in individuals affected with CDKL5-related conditions. ClinVar contains an entry for this variant (Variation ID: 2940079). Invitae Evidence Modeling of protein sequence and biophysical properties (such as structural, functional, and spatial information, amino acid conservation, physicochemical variation, residue mobility, and thermodynamic stability) indicates that this missense variant is not expected to disrupt CDKL5 protein function with a negative predictive value of 95%. In summary, the available evidence is currently insufficient to determine the role of this variant in disease. Therefore, it has been classified as a Variant of Uncertain Significance.